The following is an entry in ClinVar:

ClinVar aggregate classification (germline): Uncertain significance (1 of 4 stars; one submission).

Conditions:
X-linked Alport syndrome (ATS1). Also called: COL4A5-Related Nephropathy; NEPHROPATHY AND DEAFNESS, X-LINKED. Identifiers: Orphanet 63, Orphanet 88917, MedGen C4746986, MONDO:0010520, OMIM 301050.

Submission:

Department of Nephrology, Rheumatology and Immunology, Shanghai Children's Hospital
Classification: Uncertain significance for X-linked Alport syndrome. Last evaluated: 2021-10-31. Review status: criteria provided, single submitter. Criteria: ACMG Guidelines, 2015. Collection method: clinical testing. Allele origin: maternal. Affected: yes. Observed: 1 variant allele.
Comment: The NM_000495.5(COL4A5):c.2822G>A (p.Gly941Asp) is a missense variant in COL4A5. This variant is absent in the gnomAD v3.1.2 (GRCh38) population database (PM2). In summary, this variant meets criteria to be classified as Uncertain Significance for Alport syndrome based on the ACMG/AMP 2015 criteria applied: PM2, PP1, PP4.

NM_033380.3(COL4A5):c.2822G>A (p.Gly941Asp)

Gene: COL4A5 (collagen type IV alpha 5 chain; plus strand). Cytogenetic location: Xq22.3.
Variant type: single nucleotide variant.
Coding change: c.2822G>A on transcript NM_033380.3 (MANE Select); coding-DNA position 2822, G replaced by A.
Protein change: p.Gly941Asp; replaces glycine 941 with aspartic acid.
Molecular consequence: missense variant.
Genome position (GRCh38, 1-based): chrX:108,622,730, G>A. VCF-style: chrX-108622730-G-A. GRCh37 (hg19) VCF-style: chrX-107865960-G-A.
Other names: c.2822G>A, p.Gly941Asp (NM_000495.5); short protein forms G941D.
Identifiers: ClinVar variation 4796720 (VCV004796720.1), dbSNP rs1569498254.